The following is an entry in ClinVar:

NM_001395656.1(ROBO2):c.89C>T (p.Pro30Leu)

Gene: ROBO2 (roundabout guidance receptor 2; plus strand). Cytogenetic location: 3p12.3.
Variant type: single nucleotide variant.
Coding change: c.89C>T on transcript NM_001395656.1 (MANE Select); coding-DNA position 89, C replaced by T.
Protein change: p.Pro30Leu; replaces proline 30 with leucine.
Molecular consequence: missense variant. On other transcripts: 5 prime UTR variant (1).
Genome position (GRCh38, 1-based): chr3:77,098,041, C>T. VCF-style: chr3-77098041-C-T. GRCh37 (hg19) VCF-style: chr3-77147192-C-T.
Other names: c.137C>T, p.Pro46Leu (NM_001128929.3, NM_001378190.1, NM_001378191.1 and 5 more transcripts); c.89C>T, p.Pro30Leu (NM_001290039.2, NM_001290040.2, NM_001378193.1 and 3 more transcripts); c.-1830C>T (NM_001290065.2); c.158C>T, p.Pro53Leu (NM_001378192.1, NM_001378194.1, NM_001378198.1 and 5 more transcripts); short protein forms P30L, P53L, P46L.
Identifiers: ClinVar variation 4701155 (VCV004701155.1).

ClinVar aggregate classification (germline): Uncertain significance (1 of 4 stars; one submission).

gnomAD v4.1: 10 of 1,580,096 alleles (0.00063%); highest among the groups gnomAD compares: African/African-American, 0.0014%; no homozygotes.

Submission:

Labcorp Genetics (formerly Invitae), Labcorp
Classification: Uncertain significance. Last evaluated: 2025-12-20. Review status: criteria provided, single submitter. Criteria: Invitae Variant Classification Sherloc (09022015). Collection method: clinical testing. Allele origin: germline.
Comment: This sequence change replaces proline, which is neutral and non-polar, with leucine, which is neutral and non-polar, at codon 30 of the ROBO2 protein (p.Pro30Leu). This variant is not present in population databases (gnomAD no frequency). This variant has not been reported in the literature in individuals affected with ROBO2-related conditions. Invitae Evidence Modeling of protein sequence and biophysical properties (such as structural, functional, and spatial information, amino acid conservation, physicochemical variation, residue mobility, and thermodynamic stability) indicates that this missense variant is not expected to disrupt ROBO2 protein function with a negative predictive value of 95%. In summary, the available evidence is currently insufficient to determine the role of this variant in disease. Therefore, it has been classified as a Variant of Uncertain Significance.